The following is an entry in ClinVar:

ClinVar aggregate classification (germline): not provided (0 of 4 stars; one submission).

Allele frequency attached by ClinVar (database versions not stated): TOPMed 0.00008; gnomAD 0.00013.
gnomAD v4.1: 44 of 1,142,188 alleles (0.0039%); highest among the groups gnomAD compares: African/African-American, 0.05%; no homozygotes.

Submission:

Human Evolutionary Genetics, Institut Pasteur
No classification provided. Review status: no classification provided. Collection method: not provided. Allele origin: germline.
ClinVar note: Converted during submission from untested to not provided.

NM_001276700.2(NLRP6):c.30-85G>A

Gene: NLRP6 (NLR family pyrin domain containing 6; plus strand). Cytogenetic location: 11p15.5.
Variant type: single nucleotide variant.
Coding change: c.30-85G>A on transcript NM_001276700.2 (MANE Select); 85 bases into the intron before coding-DNA position 30, G replaced by A.
Molecular consequence: intron variant.
Genome position (GRCh38, 1-based): chr11:279,242, G>A. VCF-style: chr11-279242-G-A. GRCh37 (hg19) VCF-style: chr11-279242-G-A.
Other names: c.30-85G>A (NM_138329.2).
Identifiers: ClinVar variation 103250 (VCV000103250.2), dbSNP rs199475793, ClinGen allele CA230316.